The following is an entry in ClinVar:

ClinVar aggregate classification (germline): Uncertain significance. Review status: criteria provided, multiple submitters, no conflicts (2 of 4 stars). 4 submissions from 4 submitters: Uncertain significance (4). Last evaluated 2024-10-26.

Conditions:
Inborn genetic diseases. Identifiers: MedGen C0950123, MeSH D030342.
Joubert syndrome 14 (JBTS14). Identifiers: MedGen C3280766, MONDO:0013745, OMIM 614424.

Allele frequency attached by ClinVar (database versions not stated): gnomAD 0.00001; gnomAD exomes 0.00002 and 0.00004; ExAC 0.00003.
gnomAD v4.1: 30 of 1,613,500 alleles (0.0019%); highest among the groups gnomAD compares: South Asian, 0.029%; no homozygotes.

Submissions (4):

Labcorp Genetics (formerly Invitae), Labcorp
Classification: Uncertain significance for Joubert syndrome 14. Last evaluated: 2024-10-26. Review status: criteria provided, single submitter. Criteria: Invitae Variant Classification Sherloc (09022015). Collection method: clinical testing. Allele origin: germline.
Comment: This sequence change replaces valine, which is neutral and non-polar, with methionine, which is neutral and non-polar, at codon 181 of the TMEM237 protein (p.Val181Met). This variant is present in population databases (rs755252433, gnomAD 0.02%). This variant has not been reported in the literature in individuals affected with TMEM237-related conditions. ClinVar contains an entry for this variant (Variation ID: 1498668). Invitae Evidence Modeling of protein sequence and biophysical properties (such as structural, functional, and spatial information, amino acid conservation, physicochemical variation, residue mobility, and thermodynamic stability) indicates that this missense variant is not expected to disrupt TMEM237 protein function with a negative predictive value of 80%. In summary, the available evidence is currently insufficient to determine the role of this variant in disease. Therefore, it has been classified as a Variant of Uncertain Significance.

Fulgent Genetics
Classification: Uncertain significance for Joubert syndrome 14. Last evaluated: 2024-04-04. Review status: criteria provided, single submitter. Criteria: ACMG Guidelines, 2015. Collection method: clinical testing. Allele origin: germline.

Blueprint Genetics
Classification: Uncertain significance. Last evaluated: 2023-06-16. Review status: criteria provided, single submitter. Criteria: ACMG Guidelines, 2015. Collection method: clinical testing. Allele origin: germline.

Ambry Genetics
Classification: Uncertain significance for Inborn genetic diseases. Last evaluated: 2023-04-04. Review status: criteria provided, single submitter. Criteria: Ambry Variant Classification Scheme 2023. Collection method: clinical testing. Allele origin: germline.

NM_001044385.3(TMEM237):c.541G>A (p.Val181Met)

Gene: TMEM237 (transmembrane protein 237; minus strand). Cytogenetic location: 2q33.1.
Variant type: single nucleotide variant.
Coding change: c.541G>A on transcript NM_001044385.3 (MANE Select); coding-DNA position 541, G replaced by A.
Protein change: p.Val181Met; replaces valine 181 with methionine.
Molecular consequence: missense variant.
Genome position (GRCh38, 1-based): chr2:201,632,063, C>T on the plus strand (G>A on the coding strand, the complement: TMEM237 is on the minus strand). VCF-style: chr2-201632063-C-T. GRCh37 (hg19) VCF-style: chr2-202496786-C-T.
Other names: c.517G>A, p.Val173Met (NM_152388.4); c.541G>A (NM_001044385.1); short protein forms V181M, V173M.
Identifiers: ClinVar variation 1498668 (VCV001498668.11), dbSNP rs755252433, ClinGen allele CA2056464.